The following is an entry in ClinVar:

NM_198239.2(CCN6):c.868_869del (p.Ser290fs)

Gene: CCN6 (cellular communication network factor 6; plus strand). Cytogenetic location: 6q21.
Variant type: Microsatellite.
Coding change: c.868_869del on transcript NM_198239.2 (MANE Select); coding-DNA positions 868 to 869, 2 bases deleted (AG; older notation c.868_869delAG).
Protein change: p.Ser290fs; shifts the reading frame from serine 290.
Molecular consequence: frameshift variant. On other transcripts: non-coding transcript variant (2).
Genome position (GRCh38, 1-based): chr6:112,069,423-112,069,424, AG deleted; deleting any 2 consecutive bases within chr6:112,069,421-112,069,424 gives the same sequence; the c. name uses the placement nearest the transcript's 3' end. VCF-style (leftmost placement, unchanged base first): chr6-112069420-CAG-C. GRCh37 (hg19) VCF-style: chr6-112390623-CAG-C.
Other names: c.868_869delAG (NM_003880.3); c.868_869del, p.Ser290fs (NM_003880.4); short protein forms S290fs.
Identifiers: ClinVar variation 453263 (VCV000453263.14), dbSNP rs781838640, ClinGen allele CA3964119.
Genomic context (GRCh38, chr6:112,069,420, plus strand): 5'-CAACCTACTTTCCAACTCTCCAAAGCTGAAAAATTTGTCTTTTCTGGATGCTCAAGTACT[CAG>C]AGTTACAAACCCACTTTTTGTGGAATATGCTTGGATAAGAGATGCTGTATCCCTAATAAG-3'

ClinVar aggregate classification (germline): Pathogenic. Review status: criteria provided, multiple submitters, no conflicts (2 of 4 stars). 3 submissions from 3 submitters: Pathogenic (2). 1 of the submissions does not count toward it. Last evaluated 2025-02-10.

Conditions:
Progressive pseudorheumatoid dysplasia (PPRD). Also called: SPONDYLOEPIPHYSEAL DYSPLASIA TARDA WITH PROGRESSIVE ARTHROPATHY; Progressive Pseudorheumatoid Arthropathy of Childhood. Identifiers: Orphanet 1159, MedGen C0432215, MONDO:0008827, OMIM 208230. Disease mechanism: loss of function.

Submissions (3):

Labcorp Genetics (formerly Invitae), Labcorp
Classification: Pathogenic. Last evaluated: 2025-02-10. Review status: criteria provided, single submitter. Criteria: Invitae Variant Classification Sherloc (09022015). Collection method: clinical testing. Allele origin: germline.
Comment: This sequence change creates a premature translational stop signal (p.Ser290Leufs*12) in the WISP3 gene. While this is not anticipated to result in nonsense mediated decay, it is expected to disrupt the last 65 amino acid(s) of the WISP3 protein. This variant is present in population databases (rs781838640, gnomAD 0.0009%). This premature translational stop signal has been observed in individuals with progressive pseudorheumatoid dysplasia (PMID: 10471507, 22791401, 29258992). This variant is also known as 866delAG. For these reasons, this variant has been classified as Pathogenic.

Cirak Lab, University Hospital Cologne
Classification: Pathogenic for Progressive pseudorheumatoid dysplasia. Last evaluated: 2017-12-08. Review status: criteria provided, single submitter. Criteria: ACMG Guidelines, 2015. Collection method: research. Allele origin: germline. Inheritance: Autosomal recessive inheritance. Affected: yes. Observed: 1 variant allele, 1 homozygote.
Comment: It is a known disease causing mutation in homozygous state, the phenotype fits to the mutation. It is frameshifting.

OMIM
Classification: Pathogenic for PROGRESSIVE PSEUDORHEUMATOID ARTHROPATHY. Last evaluated: 1999-09-01. Review status: no assertion criteria provided. Collection method: literature only. Allele origin: germline. Not counted in ClinVar's aggregate classification.

Literature cited by the submitters: PubMed 10471507 (cited by Labcorp Genetics (formerly Invitae), Labcorp and OMIM); PubMed 22791401 (cited by Labcorp Genetics (formerly Invitae), Labcorp); PubMed 29258992 (cited by Labcorp Genetics (formerly Invitae), Labcorp).